The following is an entry in ClinVar:

NM_005359.6(SMAD4):c.185C>T (p.Thr62Ile)

Gene: SMAD4 (SMAD family member 4; plus strand). Cytogenetic location: 18q21.2.
Variant type: single nucleotide variant.
Coding change: c.185C>T on transcript NM_005359.6 (MANE Select); coding-DNA position 185, C replaced by T.
Protein change: p.Thr62Ile; replaces threonine 62 with isoleucine.
Molecular consequence: missense variant. On other transcripts: non-coding transcript variant (2).
Genome position (GRCh38, 1-based): chr18:51,047,231, C>T. VCF-style: chr18-51047231-C-T. GRCh37 (hg19) VCF-style: chr18-48573601-C-T.
Other names: c.185C>T, p.Thr62Ile (NM_001407041.1, NM_001407042.1, NM_001407043.1); short protein forms T62I.
Identifiers: ClinVar variation 4803016 (VCV004803016.2).

ClinVar aggregate classification (germline): Uncertain significance. Review status: criteria provided, multiple submitters, no conflicts (2 of 4 stars). 2 submissions from 2 submitters: Uncertain significance (2). Last evaluated 2026-07-06.

Conditions:
Juvenile polyposis syndrome (JPS). Identifiers: Orphanet 2929, MedGen C0345893, MONDO:0017380, OMIM 174900.
Familial thoracic aortic aneurysm and aortic dissection (TAAD). Also called: Thoracic aortic aneurysms and dissections. Identifiers: Orphanet 91387, MedGen C4707243, MONDO:0019625.
Hereditary cancer-predisposing syndrome. Also called: Hereditary Cancer Syndrome; Hereditary neoplastic syndrome; Neoplastic Syndromes, Hereditary; Tumor predisposition. Identifiers: Orphanet 140162, MedGen C0027672, MeSH D009386, MONDO:0015356.

gnomAD v4.1: 1 of 1,613,274 alleles (0.000062%); highest among the groups gnomAD compares: Non-Finnish European, 0.000085%; no homozygotes.

Submissions (2):

Ambry Genetics
Classification: Uncertain significance for Hereditary cancer-predisposing syndrome; Familial thoracic aortic aneurysm and aortic dissection. Last evaluated: 2026-07-06. Review status: criteria provided, single submitter. Criteria: Ambry Variant Classification Scheme 2023. Collection method: clinical testing. Allele origin: germline.
Comment: The p.T62I variant (also known as c.185C>T), located in coding exon 1 of the SMAD4 gene, results from a C to T substitution at nucleotide position 185. The threonine at codon 62 is replaced by isoleucine, an amino acid with similar properties. This amino acid position is conserved. In addition, the in silico prediction for this alteration is inconclusive. Based on the available evidence, the clinical significance of this variant remains unclear.

Labcorp Genetics (formerly Invitae), Labcorp
Classification: Uncertain significance for Juvenile polyposis syndrome. Last evaluated: 2025-11-03. Review status: criteria provided, single submitter. Criteria: Invitae Variant Classification Sherloc (09022015). Collection method: clinical testing. Allele origin: germline.
Comment: This sequence change replaces threonine, which is neutral and polar, with isoleucine, which is neutral and non-polar, at codon 62 of the SMAD4 protein (p.Thr62Ile). This variant is not present in population databases (gnomAD no frequency). This variant has not been reported in the literature in individuals affected with SMAD4-related conditions. Invitae Evidence Modeling of protein sequence and biophysical properties (such as structural, functional, and spatial information, amino acid conservation, physicochemical variation, residue mobility, and thermodynamic stability) has been performed for this missense variant. However, the output from this modeling did not meet the statistical confidence thresholds required to predict the impact of this variant on SMAD4 protein function. In summary, the available evidence is currently insufficient to determine the role of this variant in disease. Therefore, it has been classified as a Variant of Uncertain Significance.